The following is an entry in ClinVar:

NM_022835.3(PLEKHG2):c.2622C>G (p.His874Gln)

Gene: PLEKHG2 (pleckstrin homology and RhoGEF domain containing G2; plus strand). Cytogenetic location: 19q13.2.
Variant type: single nucleotide variant.
Coding change: c.2622C>G on transcript NM_022835.3 (MANE Select); coding-DNA position 2622, C replaced by G.
Protein change: p.His874Gln; replaces histidine 874 with glutamine.
Molecular consequence: missense variant. On other transcripts: intron variant (1).
Genome position (GRCh38, 1-based): chr19:39,423,755, C>G. VCF-style: chr19-39423755-C-G. GRCh37 (hg19) VCF-style: chr19-39914395-C-G.
Other names: c.1677+1467C>G (NM_001351694.2); c.2445C>G, p.His815Gln (NM_001351693.2); short protein forms H815Q, H874Q.
Identifiers: ClinVar variation 4538939 (VCV004538939.1).

ClinVar aggregate classification (germline): Uncertain significance (1 of 4 stars; one submission).

Submission:

GeneDx
Classification: Uncertain significance. Last evaluated: 2025-06-18. Review status: criteria provided, single submitter. Criteria: GeneDx Variant Classification Process June 2021. Collection method: clinical testing. Allele origin: germline. Affected: yes.
Comment: Has not been previously published as pathogenic or benign to our knowledge; Not observed at significant frequency in large population cohorts (gnomAD); In silico analysis suggests that this missense variant does not alter protein structure/function